The following is an entry in ClinVar:

NM_007194.4(CHEK2):c.1098_1108dup (p.Gly370fs)

Gene: CHEK2 (checkpoint kinase 2; minus strand). Cytogenetic location: 22q12.1.
Variant type: Duplication.
Coding change: c.1098_1108dup on transcript NM_007194.4 (MANE Select); coding-DNA positions 1098 to 1108, 11 bases duplicated (TACTGATTTTG).
Protein change: p.Gly370fs; shifts the reading frame from glycine 370.
Molecular consequence: frameshift variant.
Genome position (GRCh38, 1-based): chr22:28,695,861-28,695,871, CAAAATCAGTA duplicated on the plus strand (TACTGATTTTG on the coding strand, the reverse complement: CHEK2 is on the minus strand). VCF-style (leftmost placement, unchanged base first): chr22-28695860-C-CCAAAATCAGTA. GRCh37 (hg19) VCF-style: chr22-29091848-C-CCAAAATCAGTA.
Other names: c.1227_1237dup, p.Gly413Valfs (NM_001005735.3); c.435_445dup, p.Gly149Valfs (NM_001257387.3); c.897_907dup, p.Gly303Valfs (NM_001349956.3); c.1011_1021dup, p.Gly341Valfs (NM_145862.3); short protein forms G149fs, G341fs, G370fs, G413fs, G303fs.
Identifiers: ClinVar variation 1440263 (VCV001440263.7), dbSNP rs2145806928, ClinGen allele CA2573157986.

ClinVar aggregate classification (germline): Pathogenic (1 of 4 stars; one submission).

Conditions:
Familial cancer of breast. Also called: hereditary breast carcinoma; BREAST CANCER, FAMILIAL; Hereditary breast cancer. Identifiers: Orphanet 227535, MedGen C0346153, MONDO:0016419, OMIM 114480. Disease mechanism: loss of function.

Submission:

Labcorp Genetics (formerly Invitae), Labcorp
Classification: Pathogenic for Familial cancer of breast. Last evaluated: 2021-08-29. Review status: criteria provided, single submitter. Criteria: Invitae Variant Classification Sherloc (09022015). Collection method: clinical testing. Allele origin: germline.
Comment: This sequence change creates a premature translational stop signal (p.Gly370Valfs*16) in the CHEK2 gene. It is expected to result in an absent or disrupted protein product. Loss-of-function variants in CHEK2 are known to be pathogenic (PMID: 21876083, 24713400). This variant is not present in population databases (ExAC no frequency). This variant has not been reported in the literature in individuals affected with CHEK2-related conditions. For these reasons, this variant has been classified as Pathogenic.

Literature cited by the submitters: PubMed 21876083; PubMed 24713400.